The following is an entry in ClinVar:

ClinVar aggregate classification (germline): Uncertain significance (1 of 4 stars; one submission).

Conditions:
Cortical dysplasia-focal epilepsy syndrome (PTHSL1). Also called: Pitt-Hopkins-like syndrome 1. Identifiers: Orphanet 163681, Orphanet 221150, MedGen C2750246, MONDO:0012400, OMIM 610042.

Allele frequency attached by ClinVar (database versions not stated): gnomAD exomes below 0.00001; TOPMed 0.00001.
gnomAD v4.1: 1 of 1,613,670 alleles (0.000062%); highest among the groups gnomAD compares: South Asian, 0.0011%; no homozygotes.

Submission:

Labcorp Genetics (formerly Invitae), Labcorp
Classification: Uncertain significance for Cortical dysplasia-focal epilepsy syndrome. Last evaluated: 2022-02-12. Review status: criteria provided, single submitter. Criteria: Invitae Variant Classification Sherloc (09022015). Collection method: clinical testing. Allele origin: germline.
Comment: In summary, the available evidence is currently insufficient to determine the role of this variant in disease. Therefore, it has been classified as a Variant of Uncertain Significance. Algorithms developed to predict the effect of missense changes on protein structure and function are either unavailable or do not agree on the potential impact of this missense change (SIFT: "Deleterious"; PolyPhen-2: "Benign"; Align-GVGD: "Class C0"). ClinVar contains an entry for this variant (Variation ID: 958989). This variant has not been reported in the literature in individuals affected with CNTNAP2-related conditions. This variant is not present in population databases (gnomAD no frequency). This sequence change replaces serine, which is neutral and polar, with phenylalanine, which is neutral and non-polar, at codon 367 of the CNTNAP2 protein (p.Ser367Phe).

NM_014141.6(CNTNAP2):c.1100C>T (p.Ser367Phe)

Gene: CNTNAP2 (contactin associated protein 2; plus strand). Cytogenetic location: 7q35.
Variant type: single nucleotide variant.
Coding change: c.1100C>T on transcript NM_014141.6 (MANE Select); coding-DNA position 1100, C replaced by T.
Protein change: p.Ser367Phe; replaces serine 367 with phenylalanine.
Molecular consequence: missense variant.
Genome position (GRCh38, 1-based): chr7:147,132,261, C>T. VCF-style: chr7-147132261-C-T. GRCh37 (hg19) VCF-style: chr7-146829353-C-T.
Other names: short protein forms S367F.
Identifiers: ClinVar variation 958989 (VCV000958989.8), dbSNP rs935590800, ClinGen allele CA168690897.
Genomic context (GRCh38, chr7:147,132,261, plus strand): 5'-TTTTATTCTGTGTTTTCCTCAGAGCCTGTCTTTCTATTTTACAGGGAAATTTGAGCTTTT[C>T]TTGTGTGGAACCCTATACGGTGCCTGTCTTTTTCAACGCTACAAGTTACCTGGAGGTGCC-3'
Protein context (NP_054860.1, residues 357-377): EPSNVGNLSF[Ser367Phe]CVEPYTVPVF